The following is an entry in ClinVar:

NM_001849.4(COL6A2):c.2462-5dup

Gene: COL6A2 (collagen type VI alpha 2 chain; plus strand). Cytogenetic location: 21q22.3.
Variant type: Duplication.
Coding change: c.2462-5dup on transcript NM_001849.4 (MANE Select); 5 bases into the intron before coding-DNA position 2462, one base duplicated (C; older notation c.2462-5dupC).
Molecular consequence: intron variant.
Genome position (GRCh38, 1-based): chr21:46,131,949, C duplicated; the last of 4 consecutive C bases (chr21:46,131,946-46,131,949); duplicating any one gives the same sequence. VCF-style (leftmost placement, unchanged base first): chr21-46131945-T-TC. GRCh37 (hg19) VCF-style: chr21-47551859-T-TC.
Other names: c.2462-5dupC (NM_001849.3).
Identifiers: ClinVar variation 196118 (VCV000196118.23), dbSNP rs797044699, ClinGen allele CA202149.

ClinVar aggregate classification (germline): Likely benign. Review status: criteria provided, multiple submitters, no conflicts (2 of 4 stars). 3 submissions from 3 submitters: Likely benign (3). Last evaluated 2026-01-19.

Conditions:
Bethlem myopathy 1A. Also called: MYOPATHY, BENIGN CONGENITAL, WITH CONTRACTURES; Bethlem myopathy 1; Bethlem Muscular Dystrophy. Identifiers: Orphanet 610, MedGen CN029274, MONDO:0024530, OMIM 158810.

Submissions (3):

Labcorp Genetics (formerly Invitae), Labcorp
Classification: Likely benign for Bethlem myopathy 1A. Last evaluated: 2026-01-19. Review status: criteria provided, single submitter. Criteria: Invitae Variant Classification Sherloc (09022015). Collection method: clinical testing. Allele origin: germline.

GeneDx
Classification: Likely benign. Last evaluated: 2016-10-21. Review status: criteria provided, single submitter. Criteria: GeneDx Variant Classification (06012015). Collection method: clinical testing. Allele origin: germline. Affected: yes.
Comment: This variant is considered likely benign or benign based on one or more of the following criteria: it is a conservative change, it occurs at a poorly conserved position in the protein, it is predicted to be benign by multiple in silico algorithms, and/or has population frequency not consistent with disease.

Eurofins Ntd Llc (ga)
Classification: Likely benign. Last evaluated: 2015-01-23. Review status: criteria provided, single submitter. Criteria: EGL Classification Definitions. Collection method: clinical testing. Allele origin: germline. Observed: 1 variant allele, 1 heterozygote.